The following is an entry in ClinVar:

ClinVar aggregate classification (germline): Pathogenic (1 of 4 stars; one submission).

Conditions:
Fabry disease. Also called: ALPHA-GALACTOSIDASE A DEFICIENCY; ANDERSON-FABRY DISEASE; CERAMIDE TRIHEXOSIDASE DEFICIENCY; GLA DEFICIENCY; HEREDITARY DYSTOPIC LIPIDOSIS; Angiokeratoma corporis diffusum. Identifiers: Orphanet 324, MedGen C0002986, MONDO:0010526, OMIM 301500, HP:0001071. Disease mechanism: Fabry disease is due to inactivating mutations in the X-linked GLA gene resulting in deficiency of the enzyme Alpha Galactosidase-A., loss of function.

Submission:

Genomenon, Inc
Classification: Pathogenic for Fabry disease. Last evaluated: 2026-09-08. Review status: criteria provided, single submitter. Criteria: Genomenon Sequence Variant Interpretation Standards - Updated. Collection method: curation. Allele origin: germline. Affected: yes.
Comment: GLA p.Gln279Lys (c.835C>A) is a missense variant that changes the amino acid at codon 279 from Glutamine to Lysine. This variant has been observed in at least one proband with clinical features consistent with Fabry disease (PMID:19808286;30371172;30261035;26362204;28672034;18467700;30477121;18297328;38202225;38002959;31770509;33838691;18632784). The variant was found to segregate with disease in at least one affected family (PMID:26362204;18297328). At least one functional study has demonstrated a substantial alteration in protein function relative to the wild-type (PMID:27657681). It is absent or not present at a significant frequency in gnomAD. In silico models predict that this variant is possibly or probably damaging. In conclusion, we classify GLA p.Gln279Lys (c.835C>A) as a pathogenic variant.

Literature cited by the submitters: PubMed 19808286; PubMed 30371172; PubMed 30261035; PubMed 26362204; PubMed 28672034; PubMed 18467700; PubMed 30477121; PubMed 18297328; PubMed 38202225; PubMed 38002959; PubMed 31770509; PubMed 33838691; PubMed 18632784; PubMed 27657681.

NM_000169.3(GLA):c.835C>A (p.Gln279Lys)

Genes: GLA (galactosidase alpha; minus strand), RPL36A-HNRNPH2 (RPL36A-HNRNPH2 readthrough; plus strand). Cytogenetic location: Xq22.1.
Variant type: single nucleotide variant.
Coding change: c.835C>A on transcript NM_000169.3 (MANE Select); coding-DNA position 835, C replaced by A.
Protein change: p.Gln279Lys; replaces glutamine 279 with lysine.
Molecular consequence: missense variant. On other transcripts: non-coding transcript variant (3), intron variant (2).
Genome position (GRCh38, 1-based): chrX:101,398,534, G>T on the plus strand (C>A on the coding strand, the complement: GLA is on the minus strand). VCF-style: chrX-101398534-G-T. GRCh37 (hg19) VCF-style: chrX-100653522-G-T.
Other names: c.958C>A, p.Gln320Lys (NM_001406747.1); c.835C>A, p.Gln279Lys (NM_001406748.1); c.300+3077G>T (NM_001199973.2); c.177+6712G>T (NM_001199974.2); short protein forms Q279K, Q320K.
Identifiers: ClinVar variation 4087541 (VCV004087541.2).
Genomic context (GRCh38, chrX:101,398,534, plus strand): 5'-CATTAGACATGAATAAAGGAGCAGCCATGATAGCCCAGAGGGCCATCTGAGTTACTTGCT[G>T]ATTCCAGCTGAGGCCAAAGTTGCCAATCACTAACTGAGAAAAAGAATGAAATAATTCAAA-3'
Protein context (NP_000160.1, residues 269-289): VIGNFGLSWN[Gln279Lys]QVTQMALWAI